The following is an entry in ClinVar:

ClinVar aggregate classification (germline): Uncertain significance. Review status: reviewed by expert panel (3 of 4 stars). 2 submissions from 2 submitters: Uncertain significance (1). 1 of the submissions does not count toward it. Last evaluated 2024-02-15.

Conditions:
Severe combined immunodeficiency due to DCLRE1C deficiency (RS-SCID). Also called: SCID, AUTOSOMAL RECESSIVE, T CELL-NEGATIVE, B CELL-NEGATIVE, NK CELL-POSITIVE, WITH SENSITIVITY TO IONIZING RADIATION. Identifiers: Orphanet 275, MedGen C1865371, MONDO:0011225, OMIM 602450.

Allele frequency attached by ClinVar (database versions not stated): ExAC 0.00001; TOPMed 0.00001.
gnomAD v4.1: 3 of 1,610,156 alleles (0.00019%); highest among the groups gnomAD compares: East Asian, 0.0022%; no homozygotes.

Submissions (2):

ClinGen Severe Combined Immunodeficiency Variant Curation Expert Panel, ClinGen
Classification: Uncertain significance for Severe combined immunodeficiency due to DCLRE1C deficiency. Last evaluated: 2024-02-15. Review status: reviewed by expert panel. Criteria: ClinGen SCID ACMG Specifications DCLRE1C V1.0.0. Collection method: curation. Allele origin: germline.
Comment: The c.242G>A (NM_001033855.3) variant in DCLRE1C is a missense variant predicted to cause the substitution of Arginine by Glutamine at amino acid 81 (p.Arg81Gln). The filtering allele frequency (the upper threshold of the 95% CI of 2/1109854) of the c.242G>A variant in DCLRE1C is 0.0000003 for European (non-Finnish) chromosomes by gnomAD v4, which is lower than the ClinGen SCID VCEP threshold (<0.00003266) for PM2_Supporting, and therefore meets this criterion (PM2_Supporting). No homozygotes have been observed in gnomAD. To our knowledge, this variant has not been reported in the literature in individuals affected with DCLRE1C-related conditions or in functional studies. In summary, this variant meets the criteria to be classified as a variant of uncertain significance for autosomal recessive severe combined immunodeficiency due to DCLRE1C deficiency based on the ACMG/AMP criteria applied, as specified by the ClinGen SCID VCEP. Criteria applied: PM2_supporting (VCEP specifications version 1.0).

Labcorp Genetics (formerly Invitae), Labcorp
Classification: Uncertain significance for Athabaskan severe combined immunodeficiency. Last evaluated: 2022-05-03. Review status: criteria provided, single submitter. Criteria: Invitae Variant Classification Sherloc (09022015). Collection method: clinical testing. Allele origin: germline. Not counted in ClinVar's aggregate classification.
Comment: This sequence change replaces arginine, which is basic and polar, with glutamine, which is neutral and polar, at codon 81 of the DCLRE1C protein (p.Arg81Gln). This variant is present in population databases (rs772627259, gnomAD 0.006%). This variant has not been reported in the literature in individuals affected with DCLRE1C-related conditions. Algorithms developed to predict the effect of missense changes on protein structure and function (SIFT, PolyPhen-2, Align-GVGD) all suggest that this variant is likely to be tolerated. In summary, the available evidence is currently insufficient to determine the role of this variant in disease. Therefore, it has been classified as a Variant of Uncertain Significance.

NM_001033855.3(DCLRE1C):c.242G>A (p.Arg81Gln)

Gene: DCLRE1C (DNA cross-link repair 1C; minus strand). Cytogenetic location: 10p13.
Variant type: single nucleotide variant.
Coding change: c.242G>A on transcript NM_001033855.3 (MANE Select); coding-DNA position 242, G replaced by A.
Protein change: p.Arg81Gln; replaces arginine 81 with glutamine.
Molecular consequence: missense variant. On other transcripts: 5 prime UTR variant (8), non-coding transcript variant (4), intron variant (1).
Genome position (GRCh38, 1-based): chr10:14,945,109, C>T on the plus strand (G>A on the coding strand, the complement: DCLRE1C is on the minus strand). VCF-style: chr10-14945109-C-T. GRCh37 (hg19) VCF-style: chr10-14987108-C-T.
Other names: NM_001033855.3(DCLRE1C):c.242G>A; p.Arg81Gln; c.-119G>A (NM_001033857.3, NM_001289077.2, NM_001350967.2); c.-441G>A (NM_001033858.3, NM_001289079.2); c.-48G>A (NM_001289078.2, NM_001350966.2, NM_022487.4); c.242G>A, p.Arg81Gln (NM_001350965.2); c.-44+3927G>A (NM_001289076.2); short protein forms R81Q.
Identifiers: ClinVar variation 2146646 (VCV002146646.2), dbSNP rs772627259, ClinGen allele CA5416968.